The following is an entry in ClinVar:

NM_024824.5(ZC3H14):c.1280-1960T>A

Gene: ZC3H14 (zinc finger CCCH-type containing 14; plus strand). Cytogenetic location: 14q31.3.
Variant type: single nucleotide variant.
Coding change: c.1280-1960T>A on transcript NM_024824.5 (MANE Select); 1960 bases into the intron before coding-DNA position 1280, T replaced by A.
Molecular consequence: intron variant. On other transcripts: synonymous variant (1).
Genome position (GRCh38, 1-based): chr14:88,594,774, T>A. VCF-style: chr14-88594774-T-A. GRCh37 (hg19) VCF-style: chr14-89061118-T-A.
Other names: c.48T>A, p.Leu16= (NM_207662.4); c.1178-1960T>A (NM_001326297.2, NM_001326315.2, NM_001326316.2 and 1 more transcripts); c.1178-7150T>A (NM_001326301.2); c.1178-12469T>A (NM_001326303.2); c.1280-1960T>A (NM_001160103.2, NM_001326310.2, NM_001160104.2 and 1 more transcripts); c.1280-7150T>A (NM_001326307.2, NM_001326296.2, NM_001326312.2 and 1 more transcripts); c.1280-12469T>A (NM_001326298.2, NM_207660.4); c.1124-12469T>A (NM_001326313.2, NM_001326306.2); and 3 more.
Identifiers: ClinVar variation 1675546 (VCV001675546.35), dbSNP rs145362297, ClinGen allele CA7300465.

ClinVar aggregate classification (germline): Likely benign. Review status: criteria provided, multiple submitters, no conflicts (2 of 4 stars). 3 submissions from 3 submitters: Likely benign (3). Last evaluated 2024-11-26.

Allele frequency attached by ClinVar (database versions not stated): gnomAD exomes 0.00050 and 0.00109; ExAC 0.00115; 1000 Genomes Project 0.00180; 1000 Genomes Project 30x 0.00203; gnomAD 0.00236 and 0.00260; ESP Exome Variant Server 0.00246; TOPMed 0.00296.
gnomAD v4.1: 1,130 of 1,614,078 alleles (0.07%); highest among the groups gnomAD compares: African/African-American, 0.74%; 3 homozygotes.

Submissions (3):

Blueprint Genetics
Classification: Likely benign. Last evaluated: 2024-11-26. Review status: criteria provided, single submitter. Criteria: ACMG Guidelines, 2015. Collection method: clinical testing. Allele origin: germline.

CeGaT Center for Human Genetics Tuebingen
Classification: Likely benign. Last evaluated: 2024-07-01. Review status: criteria provided, single submitter. Criteria: CeGaT Center For Human Genetics Tuebingen Variant Classification Criteria Version 2. Collection method: clinical testing. Allele origin: germline. Affected: yes. Observed: 4 variant alleles.
Comment: ZC3H14: BP4, BP7

Breakthrough Genomics
Classification: Likely benign. Review status: criteria provided, single submitter. Criteria: ACMG Guidelines, 2015. Collection method: not provided. Allele origin: germline. Inheritance: Autosomal recessive inheritance. Affected: yes.